The following is an entry in ClinVar:

NM_001134363.3(RBM20):c.1118A>G (p.Gln373Arg)

Gene: RBM20 (RNA binding motif protein 20; plus strand). Cytogenetic location: 10q25.2.
Variant type: single nucleotide variant.
Coding change: c.1118A>G on transcript NM_001134363.3 (MANE Select); coding-DNA position 1118, A replaced by G.
Protein change: p.Gln373Arg; replaces glutamine 373 with arginine.
Molecular consequence: missense variant.
Genome position (GRCh38, 1-based): chr10:110,781,727, A>G. VCF-style: chr10-110781727-A-G. GRCh37 (hg19) VCF-style: chr10-112541485-A-G.
Other names: short protein forms Q373R.
Identifiers: ClinVar variation 2626075 (VCV002626075.2), dbSNP rs2493413451, ClinGen allele CA378385687.

ClinVar aggregate classification (germline): Uncertain significance (1 of 4 stars; one submission).

Conditions:
Cardiovascular phenotype. Identifiers: MedGen CN230736.

Allele frequency attached by ClinVar (database versions not stated): gnomAD exomes below 0.00001.
gnomAD v4.1: 1 of 1,551,680 alleles (0.000064%); highest among the groups gnomAD compares: Non-Finnish European, 0.000087%; no homozygotes.

Submission:

Ambry Genetics
Classification: Uncertain significance for Cardiovascular phenotype. Last evaluated: 2023-07-18. Review status: criteria provided, single submitter. Criteria: Ambry Variant Classification Scheme 2023. Collection method: clinical testing. Allele origin: germline.
Comment: The p.Q373R variant (also known as c.1118A>G), located in coding exon 2 of the RBM20 gene, results from an A to G substitution at nucleotide position 1118. The glutamine at codon 373 is replaced by arginine, an amino acid with highly similar properties. This amino acid position is conserved. In addition, the in silico prediction for this alteration is inconclusive. Since supporting evidence is limited at this time, the clinical significance of this alteration remains unclear.